The following is an entry in ClinVar:

NM_152424.4(AMER1):c.315C>T (p.Gly105=)

Gene: AMER1 (APC membrane recruitment protein 1; minus strand). Cytogenetic location: Xq11.2.
Variant type: single nucleotide variant.
Coding change: c.315C>T on transcript NM_152424.4 (MANE Select); coding-DNA position 315, C replaced by T.
Protein change: p.Gly105=; no amino-acid change (glycine 105 retained).
Molecular consequence: synonymous variant.
Genome position (GRCh38, 1-based): chrX:64,192,972, G>A on the plus strand (C>T on the coding strand, the complement: AMER1 is on the minus strand). VCF-style: chrX-64192972-G-A. GRCh37 (hg19) VCF-style: chrX-63412852-G-A.
Other names: c.315C>T (NM_152424.3).
Identifiers: ClinVar variation 1599603 (VCV001599603.11), dbSNP rs190629808, ClinGen allele CA10432504.

ClinVar aggregate classification (germline): Benign/Likely benign. Review status: criteria provided, multiple submitters, no conflicts (2 of 4 stars). 3 submissions from 3 submitters: Benign (1); Likely benign (1). 1 of the submissions does not count toward it. Last evaluated 2026-01-11.

Conditions:
AMER1-related disorder. Also called: AMER1-related condition.

Allele frequency attached by ClinVar (database versions not stated): ESP Exome Variant Server 0.00019; gnomAD 0.00026 and 0.00027; gnomAD exomes 0.00031 and 0.00047; 1000 Genomes Project 30x 0.00042; ExAC 0.00049; 1000 Genomes Project 0.00053; TOPMed 0.00054.
gnomAD v4.1: 369 of 1,209,891 alleles (0.03%); highest among the groups gnomAD compares: Admixed American, 0.11%; no homozygotes.

Submissions (3):

Labcorp Genetics (formerly Invitae), Labcorp
Classification: Benign. Last evaluated: 2026-01-11. Review status: criteria provided, single submitter. Criteria: Invitae Variant Classification Sherloc (09022015). Collection method: clinical testing. Allele origin: germline.

Blueprint Genetics
Classification: Likely benign. Last evaluated: 2024-10-28. Review status: criteria provided, single submitter. Criteria: ACMG Guidelines, 2015. Collection method: clinical testing. Allele origin: germline.

PreventionGenetics, part of Exact Sciences
Classification: Likely benign for AMER1-related condition. Last evaluated: 2019-07-23. Review status: no assertion criteria provided. Collection method: clinical testing. Allele origin: germline. Not counted in ClinVar's aggregate classification.
Comment: This variant is classified as likely benign based on ACMG/AMP sequence variant interpretation guidelines (Richards et al. 2015 PMID: 25741868, with internal and published modifications).